The following is an entry in ClinVar:

NM_130839.5(UBE3A):c.869A>C (p.Asn290Thr)

Genes: SNHG14 (small nucleolar RNA host gene 14; plus strand), UBE3A (ubiquitin protein ligase E3A; minus strand). Cytogenetic location: 15q11.2.
Variant type: single nucleotide variant.
Coding change: c.869A>C on transcript NM_130839.5 (MANE Select); coding-DNA position 869, A replaced by C.
Protein change: p.Asn290Thr; replaces asparagine 290 with threonine.
Molecular consequence: missense variant. On other transcripts: non-coding transcript variant (1), intron variant (2).
Genome position (GRCh38, 1-based): chr15:25,371,305, T>G on the plus strand (A>C on the coding strand, the complement: UBE3A is on the minus strand). VCF-style: chr15-25371305-T-G. GRCh37 (hg19) VCF-style: chr15-25616452-T-G.
Other names: c.878A>C, p.Asn293Thr (NM_000462.5); c.869A>C, p.Asn290Thr (NM_001354505.1, NM_001354538.2, NM_001354545.2); c.809A>C, p.Asn270Thr (NM_001354506.2, NM_001354507.2, NM_001354508.2 and 17 more transcripts); c.692A>C, p.Asn231Thr (NM_001354546.2); c.301+4160A>C (NM_001354551.2); c.361+4160A>C (NM_001354550.2); short protein forms N270T, N231T, N290T, N293T.
Identifiers: ClinVar variation 156121 (VCV000156121.1), dbSNP rs587782908, ClinGen allele CA333409.
Genomic context (GRCh38, chr15:25,371,305, plus strand): 5'-ATCGCTTTGCAAAATAATGGCAAAGCCATTTCCAGATATTCAGGACTGTGGAGATTTCTA[T>G]TCTCCATTACGATAATGAACAAATTCAGATAATTAGGATCTCGAGAGTATACATTGTGAT-3'
Protein context (NP_570854.1, residues 280-300): YLNLFIIVME[Asn290Thr]RNLHSPEYLE

ClinVar aggregate classification (germline): Uncertain significance (0 of 4 stars; one submission).

Conditions:
Angelman syndrome (AS). Also called: HAPPY PUPPET SYNDROME. Identifiers: Orphanet 72, MedGen C0162635, MONDO:0007113, OMIM 105830. Disease mechanism: loss of function. Inheritance: AS is caused by disruption of maternally imprinted UBE3A located within the 15q11.2-q13 Angelman syndrome/Prader-Willi syndrome (AS/PWS) region., imprinting disorder.

Submission:

Baylor Genetics
Classification: Uncertain significance for Angelman syndrome. Last evaluated: 2014-02-14. Review status: no assertion criteria provided. Collection method: clinical testing. Allele origin: maternal. Affected: yes. Observed: 3 variant alleles. Study: UBE3A Mutation Study.
Comment: possible diagnosis of Angelman syndrome

Data collected from clinical UBE3A sequence analysis results

Literature cited by the submitters: PubMed 25212744.